The following is an entry in ClinVar:

NM_000057.4(BLM):c.1153A>G (p.Thr385Ala)

Gene: BLM (BLM RecQ like helicase; plus strand). Cytogenetic location: 15q26.1.
Variant type: single nucleotide variant.
Coding change: c.1153A>G on transcript NM_000057.4 (MANE Select); coding-DNA position 1153, A replaced by G.
Protein change: p.Thr385Ala; replaces threonine 385 with alanine.
Molecular consequence: missense variant.
Genome position (GRCh38, 1-based): chr15:90,760,212, A>G. VCF-style: chr15-90760212-A-G. GRCh37 (hg19) VCF-style: chr15-91303442-A-G.
Other names: c.1153A>G, p.Thr385Ala (NM_001287246.2, NM_001287247.2); c.28A>G, p.Thr10Ala (NM_001287248.2); c.1153A>G (NM_000057.2); short protein forms T10A, T385A.
Identifiers: ClinVar variation 1022310 (VCV001022310.10), dbSNP rs1895934308, ClinGen allele CA393842431.
Genomic context (GRCh38, chr15:90,760,212, plus strand): 5'-CAGATAAGTTTACAGCAGCAGCTTATTCATGTGATGGAGCACATCTGTAAATTAATTGAT[A>G]CTATTCCTGATGATAAACTGAAACTTTTGGATTGTGGGAACGAACTGCTTCAGCAGCGGA-3'
Protein context (NP_000048.1, residues 375-395): VMEHICKLID[Thr385Ala]IPDDKLKLLD

ClinVar aggregate classification (germline): Uncertain significance. Review status: criteria provided, multiple submitters, no conflicts (2 of 4 stars). 2 submissions from 2 submitters: Uncertain significance (2). Last evaluated 2024-03-21.

Conditions:
Hereditary cancer-predisposing syndrome. Also called: Hereditary Cancer Syndrome; Neoplastic Syndromes, Hereditary; Tumor predisposition; Hereditary neoplastic syndrome. Identifiers: Orphanet 140162, MedGen C0027672, MeSH D009386, MONDO:0015356.
Bloom syndrome (BLM). Also called: Bloom-Torre-Machacek syndrome. Identifiers: Orphanet 125, MedGen C0005859, MONDO:0008876, OMIM 210900.

Allele frequency attached by ClinVar (database versions not stated): gnomAD exomes below 0.00001.
gnomAD v4.1: 1 of 1,613,770 alleles (0.000062%); highest among the groups gnomAD compares: South Asian, 0.0011%; no homozygotes.

Submissions (2):

Ambry Genetics
Classification: Uncertain significance for Hereditary cancer-predisposing syndrome. Last evaluated: 2024-03-21. Review status: criteria provided, single submitter. Criteria: Ambry Variant Classification Scheme 2023. Collection method: clinical testing. Allele origin: germline.
Comment: The p.T385A variant (also known as c.1153A>G), located in coding exon 5 of the BLM gene, results from an A to G substitution at nucleotide position 1153. The threonine at codon 385 is replaced by alanine, an amino acid with similar properties. This amino acid position is conserved. In addition, this alteration is predicted to be tolerated by in silico analysis. Based on the available evidence, the clinical significance of this alteration remains unclear.

Labcorp Genetics (formerly Invitae), Labcorp
Classification: Uncertain significance for Bloom syndrome. Last evaluated: 2023-05-08. Review status: criteria provided, single submitter. Criteria: Invitae Variant Classification Sherloc (09022015). Collection method: clinical testing. Allele origin: germline.
Comment: In summary, the available evidence is currently insufficient to determine the role of this variant in disease. Therefore, it has been classified as a Variant of Uncertain Significance. Advanced modeling of protein sequence and biophysical properties (such as structural, functional, and spatial information, amino acid conservation, physicochemical variation, residue mobility, and thermodynamic stability) performed at Invitae indicates that this missense variant is not expected to disrupt BLM protein function. ClinVar contains an entry for this variant (Variation ID: 1022310). This variant has not been reported in the literature in individuals affected with BLM-related conditions. This variant is not present in population databases (gnomAD no frequency). This sequence change replaces threonine, which is neutral and polar, with alanine, which is neutral and non-polar, at codon 385 of the BLM protein (p.Thr385Ala).